The following is an entry in ClinVar:

ClinVar aggregate classification (germline): Likely benign. Review status: criteria provided, single submitter (1 of 4 stars). 2 submissions from 2 submitters: Likely benign (1). 1 of the submissions does not count toward it. Last evaluated 2026-05-01.

Conditions:
Retinal dystrophy. Also called: Inherited retinal dystrophy. Identifiers: Orphanet 71862, MedGen C0854723, MeSH D058499, MONDO:0019118, HP:0000556.

Submissions (2):

CeGaT Center for Human Genetics Tuebingen
Classification: Likely benign. Last evaluated: 2026-05-01. Review status: criteria provided, single submitter. Criteria: CeGaT Center For Human Genetics Tuebingen Variant Classification Criteria Version 2. Collection method: clinical testing. Allele origin: germline. Affected: yes. Observed: 1 variant allele.
Comment: RPGR: BP4, BP7

Institute of Human Genetics, Univ. Regensburg, Univ. Regensburg
Classification: Uncertain significance for Retinal dystrophy. Last evaluated: 2022-01-01. Review status: no assertion criteria provided. Criteria: ACMG Guidelines, 2015. Collection method: clinical testing. Allele origin: germline. Affected: yes. Not counted in ClinVar's aggregate classification.

NM_001034853.2(RPGR):c.2544G>A (p.Glu848=)

Gene: RPGR (retinitis pigmentosa GTPase regulator; minus strand). Cytogenetic location: Xp11.4.
Variant type: single nucleotide variant.
Coding change: c.2544G>A on transcript NM_001034853.2 (MANE Select); coding-DNA position 2544, G replaced by A.
Protein change: p.Glu848=; no amino-acid change (glutamic acid 848 retained).
Molecular consequence: synonymous variant. On other transcripts: intron variant (8).
Genome position (GRCh38, 1-based): chrX:38,286,455, C>T on the plus strand (G>A on the coding strand, the complement: RPGR is on the minus strand). VCF-style: chrX-38286455-C-T. GRCh37 (hg19) VCF-style: chrX-38145708-C-T.
Other names: c.1569+4504G>A (NM_001367249.1, NM_001367250.1); c.1902+639G>A (NM_001367245.1); c.1386+4504G>A (NM_001367251.1); c.1719+639G>A (NM_001367246.1); c.1572+4504G>A (NM_001367247.1); c.1905+639G>A (NM_000328.3); c.1602+4504G>A (NM_001367248.1).
Identifiers: ClinVar variation 3249127 (VCV003249127.3).